The following is an entry in ClinVar:

ClinVar aggregate classification (germline): Pathogenic (1 of 4 stars; one submission).

Conditions:
Glycogen storage disease type III (GSD3). Also called: Cori disease; FORBES DISEASE. Identifiers: Orphanet 366, MedGen C0017922, MONDO:0009291, OMIM 232400.

Submission:

Labcorp Genetics (formerly Invitae), Labcorp
Classification: Pathogenic for Glycogen storage disease type III. Last evaluated: 2025-08-30. Review status: criteria provided, single submitter. Criteria: Invitae Variant Classification Sherloc (09022015). Collection method: clinical testing. Allele origin: germline.
Comment: This sequence change inserts a large fragment of DNA, likely a transposable element, in exon 31 of the AGL gene (c.4258_4259ins?), causing a frameshift at codon 1420 (p.Asp1420fs). The exact size and sequence of the insertion cannot be determined by the current assay. However, the insertion is expected to result in an absent or disrupted protein product. This variant is not present in population databases (gnomAD no frequency). This variant has not been reported in the literature in individuals affected with AGL-related conditions. ClinVar contains an entry for this variant (Variation ID: 1072510). Algorithms developed to predict the effect of sequence changes on RNA splicing suggest that this variant may disrupt the consensus splice site. Retrotransposon insertions including LINE1 (L1), Alu, and SVA (SINE-VNTR-Alu) have been reported to be disease-causing through disruption of either a coding region or splice site (PMID: 19763152, 20307669, 22406018) and loss-of-function variants in AGL are known to be pathogenic (PMID: 19299494). For these reasons, this variant has been classified as Pathogenic.

Literature cited by the submitters: PubMed 19763152; PubMed 20307669; PubMed 22406018; PubMed 19299494.

NM_000642.3(AGL):c.4258_4259insGGAGATTCCTTAAAGAACTAAAAGTAGGCTCNNNNNAAAAAGAAAACTTTAGATCCAG (p.Asp1420fs)

Gene: AGL (amylo-alpha-1,6-glucosidase and 4-alpha-glucanotransferase; plus strand). Cytogenetic location: 1p21.2.
Variant type: Insertion.
Coding change: c.4258_4259insGGAGATTCCTTAAAGAACTAAAAGTAGGCTCNNNNNAAAAAGAAAACTTTAGATCCAG on transcript NM_000642.3 (MANE Select); coding-DNA positions 4258 to 4259, GGAGATTCCTTAAAGAACTAAAAGTAGGCTCNNNNNAAAAAGAAAACTTTAGATCCAG inserted.
Protein change: p.Asp1420fs; shifts the reading frame from aspartic acid 1420.
Molecular consequence: frameshift variant.
Genome position: GRCh38: chr1:99,915,485-99,915,486. GRCh37 (hg19): chr1:100,381,041-100,381,042.
Other names: c.4258_4259insGGAGATTCCTTAAAGAACTAAAAGTAGGCTCNNNNNAAAAAGAAAACTTTAGATCCAG, p.Asp1420Glyfs (NM_000028.3, NM_000643.3, NM_000644.3 and 1 more transcripts); c.4210_4211insGGAGATTCCTTAAAGAACTAAAAGTAGGCTCNNNNNAAAAAGAAAACTTTAGATCCAG, p.Asp1404Glyfs (NM_000646.3); c.4237_4238insGGAGATTCCTTAAAGAACTAAAAGTAGGCTCNNNNNAAAAAGAAAACTTTAGATCCAG, p.Asp1413Glyfs (NM_001425326.1); c.4057_4058insGGAGATTCCTTAAAGAACTAAAAGTAGGCTCNNNNNAAAAAGAAAACTTTAGATCCAG, p.Asp1353Glyfs (NM_001425327.1); c.4054_4055insGGAGATTCCTTAAAGAACTAAAAGTAGGCTCNNNNNAAAAAGAAAACTTTAGATCCAG, p.Asp1352Glyfs (NM_001425328.1); c.3919_3920insGGAGATTCCTTAAAGAACTAAAAGTAGGCTCNNNNNAAAAAGAAAACTTTAGATCCAG, p.Asp1307Glyfs (NM_001425329.1); c.3880_3881insGGAGATTCCTTAAAGAACTAAAAGTAGGCTCNNNNNAAAAAGAAAACTTTAGATCCAG, p.Asp1294Glyfs (NM_001425332.1); short protein forms D1404fs, D1420fs.
Identifiers: ClinVar variation 1072510 (VCV001072510.5), dbSNP rs2100869173.